The following is an entry in ClinVar:

ClinVar aggregate classification (germline): Benign. Review status: criteria provided, multiple submitters, no conflicts (2 of 4 stars). 3 submissions from 3 submitters: Benign (3). Last evaluated 2024-01-24.

Allele frequency attached by ClinVar (database versions not stated): 1000 Genomes Project 30x 0.27545; 1000 Genomes Project 0.28075; TOPMed 0.28476; gnomAD 0.28862 and 0.29124; gnomAD exomes 0.34497.
gnomAD v4.1: 411,902 of 1,218,290 alleles (34%); highest among the groups gnomAD compares: East Asian, 45%; 72,150 homozygotes.

Submissions (16):

Unidad de Genómica Garrahan, Hospital de Pediatría Garrahan
Classification: Benign. Last evaluated: 2024-01-24. Review status: criteria provided, single submitter. Criteria: ACMG Guidelines, 2015. Collection method: clinical testing. Allele origin: germline. Affected: no. Observed: 27 variant alleles.
Comment: This variant is classified as Benign based on local population frequency. This variant was detected in 28% of patients studied by a panel of primary immunodeficiencies. Number of patients: 27. Only high quality variants are reported.

GeneDx
Classification: Benign. Last evaluated: 2015-03-03. Review status: criteria provided, single submitter. Criteria: GeneDx Variant Classification Process June 2021. Collection method: clinical testing. Allele origin: germline. Affected: yes.

Breakthrough Genomics
Classification: Benign. Review status: criteria provided, single submitter. Criteria: ACMG Guidelines, 2015. Collection method: not provided. Allele origin: germline. Inheritance: Autosomal dominant inheritance. Affected: yes.

Dr. Peter K. Rogan Lab, Western University
No classification provided (evidence only). Condition: Malignant lymphoma, large B-cell, diffuse. Review status: no classification provided. Collection method: in vitro. Allele origin: not applicable. Functional consequence: retained intron. Not counted in ClinVar's aggregate classification.

Dr. Peter K. Rogan Lab, Western University
No classification provided (evidence only). Condition: Malignant lymphoma, large B-cell, diffuse. Review status: no classification provided. Collection method: in vitro. Allele origin: not applicable. Functional consequence: retained intron. Not counted in ClinVar's aggregate classification.

Dr. Peter K. Rogan Lab, Western University
No classification provided (evidence only). Condition: Malignant lymphoma, large B-cell, diffuse. Review status: no classification provided. Collection method: in vitro. Allele origin: not applicable. Functional consequence: retained intron. Not counted in ClinVar's aggregate classification.

Dr. Peter K. Rogan Lab, Western University
No classification provided (evidence only). Condition: Malignant lymphoma, large B-cell, diffuse. Review status: no classification provided. Collection method: in vitro. Allele origin: not applicable. Functional consequence: retained intron. Not counted in ClinVar's aggregate classification.

Dr. Peter K. Rogan Lab, Western University
No classification provided (evidence only). Condition: Malignant lymphoma, large B-cell, diffuse. Review status: no classification provided. Collection method: in vitro. Allele origin: not applicable. Functional consequence: retained intron. Not counted in ClinVar's aggregate classification.

Dr. Peter K. Rogan Lab, Western University
No classification provided (evidence only). Condition: Malignant lymphoma, large B-cell, diffuse. Review status: no classification provided. Collection method: in vitro. Allele origin: not applicable. Functional consequence: retained intron. Not counted in ClinVar's aggregate classification.

Dr. Peter K. Rogan Lab, Western University
No classification provided (evidence only). Condition: Malignant lymphoma, large B-cell, diffuse. Review status: no classification provided. Collection method: in vitro. Allele origin: not applicable. Functional consequence: retained intron. Not counted in ClinVar's aggregate classification.

Dr. Peter K. Rogan Lab, Western University
No classification provided (evidence only). Condition: Malignant lymphoma, large B-cell, diffuse. Review status: no classification provided. Collection method: in vitro. Allele origin: not applicable. Functional consequence: retained intron. Not counted in ClinVar's aggregate classification.

Dr. Peter K. Rogan Lab, Western University
No classification provided (evidence only). Condition: Malignant lymphoma, large B-cell, diffuse. Review status: no classification provided. Collection method: in vitro. Allele origin: not applicable. Functional consequence: retained intron. Not counted in ClinVar's aggregate classification.

Dr. Peter K. Rogan Lab, Western University
No classification provided (evidence only). Condition: Malignant lymphoma, large B-cell, diffuse. Review status: no classification provided. Collection method: in vitro. Allele origin: not applicable. Functional consequence: retained intron. Not counted in ClinVar's aggregate classification.

Dr. Peter K. Rogan Lab, Western University
No classification provided (evidence only). Condition: Gastric cancer. Review status: no classification provided. Collection method: in vitro. Allele origin: not applicable. Functional consequence: retained intron. Not counted in ClinVar's aggregate classification.

Dr. Peter K. Rogan Lab, Western University
No classification provided (evidence only). Condition: Gastric cancer. Review status: no classification provided. Collection method: in vitro. Allele origin: not applicable. Functional consequence: retained intron. Not counted in ClinVar's aggregate classification.

Dr. Peter K. Rogan Lab, Western University
No classification provided (evidence only). Condition: Gastric cancer. Review status: no classification provided. Collection method: in vitro. Allele origin: not applicable. Functional consequence: retained intron. Not counted in ClinVar's aggregate classification.

NM_003978.5(PSTPIP1):c.562+114C>T

Gene: PSTPIP1 (proline-serine-threonine phosphatase interacting protein 1; plus strand). Cytogenetic location: 15q24.3.
Variant type: single nucleotide variant.
Coding change: c.562+114C>T on transcript NM_003978.5 (MANE Select); 114 bases into the intron after coding-DNA position 562, C replaced by T.
Molecular consequence: intron variant.
Genome position (GRCh38, 1-based): chr15:77,029,688, C>T. VCF-style: chr15-77029688-C-T. GRCh37 (hg19) VCF-style: chr15-77322029-C-T.
Other names: NC_000015.9:g.77322029C>T; c.757+114C>T (NM_001321137.1); c.535+114C>T (NM_001321136.2); c.562+114C>T (NM_001321135.2).
Identifiers: ClinVar variation 1254094 (VCV001254094.6), dbSNP rs3935339, ClinGen allele CA14106804.